The following is an entry in ClinVar:

NM_004793.4(LONP1):c.1174C>T (p.Arg392Cys)

Gene: LONP1 (lon peptidase 1, mitochondrial; minus strand). Cytogenetic location: 19p13.3.
Variant type: single nucleotide variant.
Coding change: c.1174C>T on transcript NM_004793.4 (MANE Select); coding-DNA position 1174, C replaced by T.
Protein change: p.Arg392Cys; replaces arginine 392 with cysteine.
Molecular consequence: missense variant. On other transcripts: non-coding transcript variant (1).
Genome position (GRCh38, 1-based): chr19:5,705,965, G>A on the plus strand (C>T on the coding strand, the complement: LONP1 is on the minus strand). VCF-style: chr19-5705965-G-A. GRCh37 (hg19) VCF-style: chr19-5705976-G-A.
Other names: c.982C>T, p.Arg328Cys (NM_001276479.2); c.586C>T, p.Arg196Cys (NM_001276480.1); c.1174C>T (NM_004793.3); short protein forms R328C, R392C, R196C.
Identifiers: ClinVar variation 2885195 (VCV002885195.5), dbSNP rs767864030, ClinGen allele CA9114777.
Genomic context (GRCh38, chr19:5,705,965, plus strand): 5'-CCTTCTCCAGGCCCAGCTCCTTCTTGATGATCTTTAGCTGCTCCTGCAGCAGGTACTTAC[G>A]GTGGGTCTGCTTGATCTTCTCCTCCACCTGTGGGGTGAGGTGCTGCCATCAGGCCCTGGC-3'
Protein context (NP_004784.2, residues 382-402): EVEEKIKQTH[Arg392Cys]KYLLQEQLKI

ClinVar aggregate classification (germline): Conflicting classifications of pathogenicity. Review status: criteria provided, conflicting classifications (1 of 4 stars). 2 submissions from 2 submitters: Uncertain significance (1); Likely benign (1). Last evaluated 2025-11-20.

Allele frequency attached by ClinVar (database versions not stated): TOPMed below 0.00001; ExAC 0.00002; gnomAD exomes 0.00002.

Submissions (2):

GeneDx
Classification: Uncertain significance. Last evaluated: 2025-11-20. Review status: criteria provided, single submitter. Criteria: GeneDx Variant Classification Process June 2021. Collection method: clinical testing. Allele origin: germline.
Comment: In silico analysis supports that this missense variant has a deleterious effect on protein structure/function; Has not been previously published as pathogenic or benign to our knowledge

Labcorp Genetics (formerly Invitae), Labcorp
Classification: Likely benign. Last evaluated: 2023-11-17. Review status: criteria provided, single submitter. Criteria: Invitae Variant Classification Sherloc (09022015). Collection method: clinical testing. Allele origin: germline.